The following is an entry in ClinVar:

NM_000334.4(SCN4A):c.4045C>T (p.Leu1349Phe)

Genes: GH-LCR (growth hormone locus control region; plus strand), SCN4A (sodium voltage-gated channel alpha subunit 4; minus strand). Cytogenetic location: 17q23.3.
Variant type: single nucleotide variant.
Coding change: c.4045C>T on transcript NM_000334.4 (MANE Select); coding-DNA position 4045, C replaced by T.
Protein change: p.Leu1349Phe; replaces leucine 1349 with phenylalanine.
Molecular consequence: missense variant.
Genome position (GRCh38, 1-based): chr17:63,943,069, G>A on the plus strand (C>T on the coding strand, the complement: SCN4A is on the minus strand). VCF-style: chr17-63943069-G-A. GRCh37 (hg19) VCF-style: chr17-62020429-G-A.
Other names: short protein forms L1349F.
Identifiers: ClinVar variation 858615 (VCV000858615.17), dbSNP rs994344058, ClinGen allele CA292958336.

ClinVar aggregate classification (germline): Uncertain significance (1 of 4 stars; one submission).

Conditions:
Hyperkalemic periodic paralysis. Also called: Familial hyperkalemic periodic paralysis; Gamstorp disease. Identifiers: Orphanet 682, MedGen C0238357, MONDO:0008224, OMIM 170500, HP:0007215.

Allele frequency attached by ClinVar (database versions not stated): TOPMed 0.00001.

Submission:

Labcorp Genetics (formerly Invitae), Labcorp
Classification: Uncertain significance for Hyperkalemic periodic paralysis. Last evaluated: 2022-07-06. Review status: criteria provided, single submitter. Criteria: Invitae Variant Classification Sherloc (09022015). Collection method: clinical testing. Allele origin: germline.
Comment: In summary, the available evidence is currently insufficient to determine the role of this variant in disease. Therefore, it has been classified as a Variant of Uncertain Significance. Algorithms developed to predict the effect of missense changes on protein structure and function output the following: SIFT: "Tolerated"; PolyPhen-2: "Benign"; Align-GVGD: "Class C0". The phenylalanine amino acid residue is found in multiple mammalian species, which suggests that this missense change does not adversely affect protein function. ClinVar contains an entry for this variant (Variation ID: 858615). This variant has not been reported in the literature in individuals affected with SCN4A-related conditions. This variant is not present in population databases (gnomAD no frequency). This sequence change replaces leucine, which is neutral and non-polar, with phenylalanine, which is neutral and non-polar, at codon 1349 of the SCN4A protein (p.Leu1349Phe).